The following is an entry in ClinVar:

NM_001099922.3(ALG13):c.744G>A (p.Ser248=)

Gene: ALG13 (ALG13 UDP-N-acetylglucosaminyltransferase subunit; plus strand). Cytogenetic location: Xq23.
Variant type: single nucleotide variant.
Coding change: c.744G>A on transcript NM_001099922.3 (MANE Select); coding-DNA position 744, G replaced by A.
Protein change: p.Ser248=; no amino-acid change (serine 248 retained).
Molecular consequence: synonymous variant. On other transcripts: non-coding transcript variant (1).
Genome position (GRCh38, 1-based): chrX:111,708,387, G>A. VCF-style: chrX-111708387-G-A. GRCh37 (hg19) VCF-style: chrX-110951615-G-A.
Other names: c.432G>A, p.Ser144= (NM_001257230.2, NM_001257234.2, NM_001257237.2 and 1 more transcripts); c.510G>A, p.Ser170= (NM_001257231.2); c.744G>A, p.Ser248= (NM_001324292.2).
Identifiers: ClinVar variation 682376 (VCV000682376.6), dbSNP rs755327837, ClinGen allele CA10493567.
Genomic context (GRCh38, chrX:111,708,387, plus strand): 5'-CTTAGGGCTGTTTCGAAAGCTGACTGCCAAGGATGCCTCTTGCCTCTTTCGGGCCATTTC[G>A]GAGCAGGTAAAAGGAAAACATATCTTCCCTGTACTGAGTTTTCAGAGTTTGAGACATGGG-3'
Protein context (NP_001093392.1, residues 238-258): KDASCLFRAI[Ser248=]EQLFCSQVHH

ClinVar aggregate classification (germline): Likely benign. Review status: criteria provided, multiple submitters, no conflicts (2 of 4 stars). 2 submissions from 2 submitters: Likely benign (2). Last evaluated 2024-09-05.

Conditions:
Developmental and epileptic encephalopathy, 36 (DEE36). Also called: ALG13-CDG; Epileptic encephalopathy, early infantile, 36; Congenital disorder of glycosylation, type Is. Identifiers: Orphanet 324422, MedGen C4317295, MONDO:0010472, OMIM 300884.

Allele frequency attached by ClinVar (database versions not stated): TOPMed below 0.00001; ExAC 0.00001; gnomAD 0.00001; gnomAD exomes 0.00001.
gnomAD v4.1: 4 of 1,206,358 alleles (0.00033%); highest among the groups gnomAD compares: African/African-American, 0.0018%; no homozygotes.

Submissions (2):

Labcorp Genetics (formerly Invitae), Labcorp
Classification: Likely benign for Developmental and epileptic encephalopathy, 36. Last evaluated: 2024-09-05. Review status: criteria provided, single submitter. Criteria: Invitae Variant Classification Sherloc (09022015). Collection method: clinical testing. Allele origin: germline.

GeneDx
Classification: Likely benign. Last evaluated: 2018-05-11. Review status: criteria provided, single submitter. Criteria: GeneDx Variant Classification (06012015). Collection method: clinical testing. Allele origin: germline. Affected: yes.
Comment: This variant is considered likely benign or benign based on one or more of the following criteria: it is a conservative change, it occurs at a poorly conserved position in the protein, it is predicted to be benign by multiple in silico algorithms, and/or has population frequency not consistent with disease.